The following is an entry in ClinVar:

ClinVar aggregate classification (germline): Likely benign. Review status: criteria provided, multiple submitters, no conflicts (2 of 4 stars). 2 submissions from 2 submitters: Likely benign (2). Last evaluated 2025-11-24.

Allele frequency attached by ClinVar (database versions not stated): gnomAD exomes below 0.00001.
gnomAD v4.1: 2 of 1,614,198 alleles (0.00012%); highest among the groups gnomAD compares: Non-Finnish European, 0.00017%; no homozygotes.

Submissions (2):

Labcorp Genetics (formerly Invitae), Labcorp
Classification: Likely benign. Last evaluated: 2025-11-24. Review status: criteria provided, single submitter. Criteria: Invitae Variant Classification Sherloc (09022015). Collection method: clinical testing. Allele origin: germline.

CeGaT Center for Human Genetics Tuebingen
Classification: Likely benign. Last evaluated: 2023-07-01. Review status: criteria provided, single submitter. Criteria: CeGaT Center For Human Genetics Tuebingen Variant Classification Criteria Version 2. Collection method: clinical testing. Allele origin: germline. Affected: yes. Observed: 1 variant allele.
Comment: GRM7: PM2:Supporting, BP4, BP7

NM_000844.4(GRM7):c.2583A>G (p.Arg861=)

Gene: GRM7 (glutamate metabotropic receptor 7; plus strand). Cytogenetic location: 3p26.1.
Variant type: single nucleotide variant.
Coding change: c.2583A>G on transcript NM_000844.4 (MANE Select); coding-DNA position 2583, A replaced by G.
Protein change: p.Arg861=; no amino-acid change (arginine 861 retained).
Molecular consequence: synonymous variant.
Genome position (GRCh38, 1-based): chr3:7,680,180, A>G. VCF-style: chr3-7680180-A-G. GRCh37 (hg19) VCF-style: chr3-7721867-A-G.
Other names: c.2583A>G, p.Arg861= (NM_181874.3).
Identifiers: ClinVar variation 2578931 (VCV002578931.28), dbSNP rs2470247769, ClinGen allele CA432538791.